The following is an entry in ClinVar:

NM_000283.4(PDE6B):c.530C>T (p.Ala177Val)

Gene: PDE6B (phosphodiesterase 6B; plus strand). Cytogenetic location: 4p16.3.
Variant type: single nucleotide variant.
Coding change: c.530C>T on transcript NM_000283.4 (MANE Select); coding-DNA position 530, C replaced by T.
Protein change: p.Ala177Val; replaces alanine 177 with valine.
Molecular consequence: missense variant.
Genome position (GRCh38, 1-based): chr4:634,738, C>T. VCF-style: chr4-634738-C-T. GRCh37 (hg19) VCF-style: chr4-628527-C-T.
Other names: c.530C>T, p.Ala177Val (NM_001145291.2); short protein forms A177V.
Identifiers: ClinVar variation 1720174 (VCV001720174.5), dbSNP rs2474104327, ClinGen allele CA355908227.

ClinVar aggregate classification (germline): Uncertain significance (1 of 4 stars; one submission).

Submission:

Labcorp Genetics (formerly Invitae), Labcorp
Classification: Uncertain significance. Last evaluated: 2024-10-29. Review status: criteria provided, single submitter. Criteria: Invitae Variant Classification Sherloc (09022015). Collection method: clinical testing. Allele origin: germline.
Comment: This sequence change replaces alanine, which is neutral and non-polar, with valine, which is neutral and non-polar, at codon 177 of the PDE6B protein (p.Ala177Val). This variant is not present in population databases (gnomAD no frequency). This variant has not been reported in the literature in individuals affected with PDE6B-related conditions. ClinVar contains an entry for this variant (Variation ID: 1720174). Invitae Evidence Modeling of protein sequence and biophysical properties (such as structural, functional, and spatial information, amino acid conservation, physicochemical variation, residue mobility, and thermodynamic stability) has been performed for this missense variant. However, the output from this modeling did not meet the statistical confidence thresholds required to predict the impact of this variant on PDE6B protein function. In summary, the available evidence is currently insufficient to determine the role of this variant in disease. Therefore, it has been classified as a Variant of Uncertain Significance.